The following is an entry in ClinVar:

NM_001145475.3(FAM186A):c.4860C>T (p.Ala1620=)

Gene: FAM186A (family with sequence similarity 186 member A; minus strand). Cytogenetic location: 12q13.12.
Variant type: single nucleotide variant.
Coding change: c.4860C>T on transcript NM_001145475.3 (MANE Select); coding-DNA position 4860, C replaced by T.
Protein change: p.Ala1620=; no amino-acid change (alanine 1620 retained).
Molecular consequence: synonymous variant.
Genome position (GRCh38, 1-based): chr12:50,351,972, G>A on the plus strand (C>T on the coding strand, the complement: FAM186A is on the minus strand). VCF-style: chr12-50351972-G-A. GRCh37 (hg19) VCF-style: chr12-50745755-G-A.
Identifiers: ClinVar variation 3389007 (VCV003389007.14).

ClinVar aggregate classification (germline): Likely benign (1 of 4 stars; one submission).

Submission:

CeGaT Center for Human Genetics Tuebingen
Classification: Likely benign. Last evaluated: 2024-10-01. Review status: criteria provided, single submitter. Criteria: CeGaT Center For Human Genetics Tuebingen Variant Classification Criteria Version 2. Collection method: clinical testing. Allele origin: germline. Affected: yes. Observed: 1 variant allele.
Comment: FAM186A: BP4, BP7